The following is an entry in ClinVar:

ClinVar aggregate classification (germline): Uncertain significance (1 of 4 stars; one submission).

Conditions:
Osteogenesis imperfecta type 8 (OI8). Identifiers: MedGen C1970458, MONDO:0012581, OMIM 610915.

gnomAD v4.1: 2 of 1,614,090 alleles (0.00012%); highest among the groups gnomAD compares: East Asian, 0.0022%; no homozygotes.

Submission:

Labcorp Genetics (formerly Invitae), Labcorp
Classification: Uncertain significance for Osteogenesis imperfecta type 8. Last evaluated: 2025-11-17. Review status: criteria provided, single submitter. Criteria: Invitae Variant Classification Sherloc (09022015). Collection method: clinical testing. Allele origin: germline.
Comment: This sequence change replaces arginine, which is basic and polar, with leucine, which is neutral and non-polar, at codon 685 of the P3H1 protein (p.Arg685Leu). This variant is present in population databases (rs376514633, gnomAD 0.0009%). This variant has not been reported in the literature in individuals affected with P3H1-related conditions. ClinVar contains an entry for this variant (Variation ID: 2114968). An algorithm developed to predict the effect of missense changes on protein structure and function (PolyPhen-2) suggests that this variant is likely to be tolerated. In summary, the available evidence is currently insufficient to determine the role of this variant in disease. Therefore, it has been classified as a Variant of Uncertain Significance.

NM_022356.4(P3H1):c.2054G>T (p.Arg685Leu)

Gene: P3H1 (prolyl 3-hydroxylase 1; minus strand). Cytogenetic location: 1p34.2.
Variant type: single nucleotide variant.
Coding change: c.2054G>T on transcript NM_022356.4 (MANE Select); coding-DNA position 2054, G replaced by T.
Protein change: p.Arg685Leu; replaces arginine 685 with leucine.
Molecular consequence: missense variant.
Genome position (GRCh38, 1-based): chr1:42,747,273, C>A on the plus strand (G>T on the coding strand, the complement: P3H1 is on the minus strand). VCF-style: chr1-42747273-C-A. GRCh37 (hg19) VCF-style: chr1-43212944-C-A.
Other names: c.2054G>T, p.Arg685Leu (NM_001146289.2, NM_001243246.2); short protein forms R685L.
Identifiers: ClinVar variation 2114968 (VCV002114968.2), dbSNP rs376514633, ClinGen allele CA801612.